The following is an entry in ClinVar:

NM_001519.4(BRF1):c.1916A>G (p.Asp639Gly)

Gene: BRF1 (BRF1 general transcription factor IIIB subunit; minus strand). Cytogenetic location: 14q32.33.
Variant type: single nucleotide variant.
Coding change: c.1916A>G on transcript NM_001519.4 (MANE Select); coding-DNA position 1916, A replaced by G.
Protein change: p.Asp639Gly; replaces aspartic acid 639 with glycine.
Molecular consequence: missense variant.
Genome position (GRCh38, 1-based): chr14:105,211,202, T>C on the plus strand (A>G on the coding strand, the complement: BRF1 is on the minus strand). VCF-style: chr14-105211202-T-C. GRCh37 (hg19) VCF-style: chr14-105677539-T-C.
Other names: c.1637A>G, p.Asp546Gly (NM_001242786.2); c.1571A>G, p.Asp524Gly (NM_001242787.2); c.1835A>G, p.Asp612Gly (NM_001242788.2); c.1202A>G, p.Asp401Gly (NM_001242789.2); c.1304A>G, p.Asp435Gly (NM_145685.3); short protein forms D401G, D435G, D524G, D546G, D612G, D639G.
Identifiers: ClinVar variation 3378205 (VCV003378205.1).

ClinVar aggregate classification (germline): Uncertain significance (1 of 4 stars; one submission).

gnomAD v4.1: 18 of 1,611,992 alleles (0.0011%); highest among the groups gnomAD compares: South Asian, 0.02%; no homozygotes.

Submission:

GeneDx
Classification: Uncertain significance. Last evaluated: 2024-05-13. Review status: criteria provided, single submitter. Criteria: GeneDx Variant Classification Process June 2021. Collection method: clinical testing. Allele origin: germline. Affected: yes.
Comment: In silico analysis supports that this missense variant has a deleterious effect on protein structure/function; Has not been previously published as pathogenic or benign to our knowledge